The following is an entry in ClinVar:

ClinVar aggregate classification (germline): Uncertain significance (1 of 4 stars; one submission).

Conditions:
Cardiovascular phenotype. Identifiers: MedGen CN230736.

Allele frequency attached by ClinVar (database versions not stated): ESP Exome Variant Server 0.00008.
gnomAD v4.1: 2 of 1,612,906 alleles (0.00012%); highest among the groups gnomAD compares: African/African-American, 0.0013%; no homozygotes.

Submission:

Ambry Genetics
Classification: Uncertain significance for Cardiovascular phenotype. Last evaluated: 2016-07-31. Review status: criteria provided, single submitter. Criteria: Ambry Variant Classification Scheme 2023. Collection method: clinical testing. Allele origin: germline.
Comment: The p.E11914A variant (also known as c.35741A>C), located in coding exon 131 of the TTN gene, results from an A to C substitution at nucleotide position 35741. This alteration is located in the A-band region of the N2-B isoform of the titin protein. The glutamic acid at codon 11914 is replaced by alanine, an amino acid with dissimilar properties. This variant was previously reported in the SNPDatabase as rs375728230. Based on data from ExAC, the C allele has an overall frequency of less than 0.01% (1/104999). Based on data from the NHLBI Exome Sequencing Project (ESP), the C allele has an overall frequency of approximately 0.01% (1/12016) total alleles studied, having been observed in 0.03% (1/3798) African American alleles. This amino acid position is highly conserved in available vertebrate species. In addition, this alteration is predicted to be tolerated by in silico analysis. Since supporting evidence is limited at this time, the clinical significance of this alteration remains unclear.

NM_001267550.2(TTN):c.62936A>C (p.Glu20979Ala)

Genes: TTN (titin; minus strand), TTN-AS1 (TTN antisense RNA 1; plus strand). Cytogenetic location: 2q31.2.
Variant type: single nucleotide variant.
Coding change: c.62936A>C on transcript NM_001267550.2 (MANE Select); coding-DNA position 62936, A replaced by C.
Protein change: p.Glu20979Ala; replaces glutamic acid 20979 with alanine.
Molecular consequence: missense variant.
Genome position (GRCh38, 1-based): chr2:178,588,789, T>G on the plus strand (A>C on the coding strand, the complement: TTN is on the minus strand). VCF-style: chr2-178588789-T-G. GRCh37 (hg19) VCF-style: chr2-179453516-T-G.
Other names: c.58013A>C, p.Glu19338Ala (NM_001256850.1); c.35741A>C, p.Glu11914Ala (NM_003319.4); c.55232A>C, p.Glu18411Ala (NM_133378.4); c.36116A>C, p.Glu12039Ala (NM_133432.3); c.36317A>C, p.Glu12106Ala (NM_133437.4); short protein forms E11914A, E20979A, E12039A, E12106A, E18411A, E19338A.
Identifiers: ClinVar variation 518548 (VCV000518548.5), dbSNP rs375728230, ClinGen allele CA1992165.